The following is an entry in ClinVar:

NM_001122769.3(LCA5):c.1181C>G (p.Thr394Arg)

Gene: LCA5 (lebercilin LCA5; minus strand). Cytogenetic location: 6q14.1.
Variant type: single nucleotide variant.
Coding change: c.1181C>G on transcript NM_001122769.3 (MANE Select); coding-DNA position 1181, C replaced by G.
Protein change: p.Thr394Arg; replaces threonine 394 with arginine.
Molecular consequence: missense variant.
Genome position (GRCh38, 1-based): chr6:79,489,134, G>C on the plus strand (C>G on the coding strand, the complement: LCA5 is on the minus strand). VCF-style: chr6-79489134-G-C. GRCh37 (hg19) VCF-style: chr6-80198851-G-C.
Other names: c.1181C>G, p.Thr394Arg (NM_181714.4); short protein forms T394R.
Identifiers: ClinVar variation 358096 (VCV000358096.10), dbSNP rs369178808, ClinGen allele CA3900893.

ClinVar aggregate classification (germline): Uncertain significance. Review status: criteria provided, multiple submitters, no conflicts (2 of 4 stars). 4 submissions from 4 submitters: Uncertain significance (4). Last evaluated 2025-08-11.

Conditions:
Inborn genetic diseases. Identifiers: MedGen C0950123, MeSH D030342.
Leber congenital amaurosis 5 (LCA5). Also called: Amaurosis congenita of Leber, type 5. Identifiers: Orphanet 65, MedGen C1858301, MONDO:0011473, OMIM 604537.

Allele frequency attached by ClinVar (database versions not stated): gnomAD 0.00003 and 0.00004; gnomAD exomes 0.00004 and 0.00009; ExAC 0.00006; TOPMed 0.00006; ESP Exome Variant Server 0.00015.
gnomAD v4.1: 130 of 1,612,932 alleles (0.0081%); highest among the groups gnomAD compares: Non-Finnish European, 0.011%; no homozygotes.

Submissions (4):

Labcorp Genetics (formerly Invitae), Labcorp
Classification: Uncertain significance. Last evaluated: 2025-08-11. Review status: criteria provided, single submitter. Criteria: Invitae Variant Classification Sherloc (09022015). Collection method: clinical testing. Allele origin: germline.
Comment: This sequence change replaces threonine, which is neutral and polar, with arginine, which is basic and polar, at codon 394 of the LCA5 protein (p.Thr394Arg). This variant is present in population databases (rs369178808, gnomAD 0.01%). This variant has not been reported in the literature in individuals affected with LCA5-related conditions. ClinVar contains an entry for this variant (Variation ID: 358096). Invitae Evidence Modeling of protein sequence and biophysical properties (such as structural, functional, and spatial information, amino acid conservation, physicochemical variation, residue mobility, and thermodynamic stability) indicates that this missense variant is not expected to disrupt LCA5 protein function with a negative predictive value of 80%. In summary, the available evidence is currently insufficient to determine the role of this variant in disease. Therefore, it has been classified as a Variant of Uncertain Significance.

Blueprint Genetics
Classification: Uncertain significance. Last evaluated: 2024-08-08. Review status: criteria provided, single submitter. Criteria: ACMG Guidelines, 2015. Collection method: clinical testing. Allele origin: germline.

Ambry Genetics
Classification: Uncertain significance for Inborn genetic diseases. Last evaluated: 2024-05-13. Review status: criteria provided, single submitter. Criteria: Ambry Variant Classification Scheme 2023. Collection method: clinical testing. Allele origin: germline.

Illumina Laboratory Services, Illumina
Classification: Uncertain significance for Leber congenital amaurosis 5. Last evaluated: 2018-01-13. Review status: criteria provided, single submitter. Criteria: ICSL Variant Classification Criteria 13 December 2019. Collection method: clinical testing. Allele origin: germline.